The following is an entry in ClinVar:

ClinVar aggregate classification (germline): Benign/Likely benign. Review status: criteria provided, multiple submitters, no conflicts (2 of 4 stars). 8 submissions from 8 submitters: Benign (2); Likely benign (6). Last evaluated 2025-11-01.

Conditions:
Frontometaphyseal dysplasia (FMD1). Identifiers: Orphanet 1826, MedGen C0265293, MONDO:0015942.
Heterotopia, periventricular, X-linked dominant (PVNH1). Also called: PERIVENTRICULAR NODULAR HETEROTOPIA 4; HETEROTOPIA, PERIVENTRICULAR, 1; PERIVENTRICULAR NODULAR HETEROTOPIA 1; X-linked periventricular heterotopia. Identifiers: Orphanet 2149, Orphanet 82004, MedGen C1848213, MONDO:0010233, OMIM 300049.
Melnick-Needles syndrome (MNS). Also called: OSTEODYSPLASTY OF MELNICK AND NEEDLES; Melnick-Needles Syndrome (FLNA-MNS); MELNICK-NEEDLES OSTEODYSPLASTY. Identifiers: Orphanet 2484, MedGen C0025237, MONDO:0010650, OMIM 309350.
Oto-palato-digital syndrome, type II (OPD2). Also called: Otopalatodigital Syndrome Type 2 (FLNA-OPD2); FACIOPALATOOSSEOUS SYNDROME; Otopalatodigital Syndrome, Type II; OPD II SYNDROME. Identifiers: Orphanet 669, Orphanet 90652, MedGen C1844696, MONDO:0010571, OMIM 304120.
FLNA-related disorder.
Frontometaphyseal dysplasia 1 (FMD1). Also called: Frontometaphyseal Dysplasia (FLNA-FMD). Identifiers: Orphanet 1826, MedGen C4281559, MONDO:0024550, OMIM 305620.
Terminal osseous dysplasia-pigmentary defects syndrome. Also called: ODPD; TERMINAL OSSEOUS DYSPLASIA AND PIGMENTARY DEFECTS; Terminal Osseous Dysplasia (FLNA-TOD); ODPF SYNDROME; OSSEOUS DYSPLASIA, DIGITAL, WITH FACIAL PIGMENTARY DEFECTS AND MULTIPLE FRENULA. Identifiers: Orphanet 88630, MedGen C1846129, MONDO:0010279, OMIM 300244.
Cardiac valvular dysplasia, X-linked (CVDPX). Also called: VALVULAR HEART DISEASE, CONGENITAL; FLNA-Related X-linked Cardiac Valvular Dysplasia; Congenital valvular dysplasia; Isolated X-Linked Cardiac Valvular Dysplasia; MYXOMATOUS VALVULAR DYSTROPHY, X-LINKED. Identifiers: Orphanet 1864, Orphanet 555877, Orphanet 75497, MedGen C0262436, MONDO:0010753, OMIM 314400.
FG syndrome 2 (FGS2). Identifiers: MedGen C1845902, MONDO:0010297, OMIM 300321.
Oto-palato-digital syndrome, type I (OPD1). Also called: Taybi syndrome; Otopalatodigital Syndrome Type 1 (FLNA-OPD1); Otopalatodigital Syndrome, Type I; OPD I SYNDROME; OPD SYNDROME 1. Identifiers: Orphanet 669, Orphanet 90650, MedGen C0265251, MONDO:0010704, OMIM 311300.
Intestinal pseudoobstruction, neuronal, chronic idiopathic, X-linked (CIIPX). Also called: CONGENITAL IDIOPATHIC INTESTINAL PSEUDOOBSTRUCTION; FLNA-Related Periventricular Nodular Heterotopia (FLNA-Related PVNH; Huttenlocher Syndrome); INTESTINAL PSEUDOOBSTRUCTION, NEURONAL, CHRONIC IDIOPATHIC, WITH CENTRAL NERVOUS SYSTEM INVOLVEMENT. Identifiers: Orphanet 2301, MedGen C2746068, MONDO:0010232, OMIM 300048.
Familial thoracic aortic aneurysm and aortic dissection (TAAD). Also called: Thoracic aortic aneurysms and dissections. Identifiers: Orphanet 91387, MedGen C4707243, MONDO:0019625.

Allele frequency attached by ClinVar (database versions not stated): gnomAD 0.00006 and 0.00008; gnomAD exomes 0.00006 and 0.00007; TOPMed 0.00006; ExAC 0.00008.
gnomAD v4.1: 78 of 1,210,395 alleles (0.0064%); highest among the groups gnomAD compares: African/African-American, 0.0087%; no homozygotes.

Submissions (8):

Labcorp Genetics (formerly Invitae), Labcorp
Classification: Benign for Oto-palato-digital syndrome, type II; Heterotopia, periventricular, X-linked dominant; Frontometaphyseal dysplasia; Melnick-Needles syndrome. Last evaluated: 2025-11-01. Review status: criteria provided, single submitter. Criteria: Invitae Variant Classification Sherloc (09022015). Collection method: clinical testing. Allele origin: germline.

Mayo Clinic Laboratories, Mayo Clinic
Classification: Likely benign. Last evaluated: 2025-09-16. Review status: criteria provided, single submitter. Criteria: ACMG Guidelines, 2015. Collection method: clinical testing. Allele origin: germline. Observed: 1 variant allele.
Comment: BS2, BP4, BP7

PreventionGenetics, part of Exact Sciences
Classification: Likely benign for FLNA-related condition. Last evaluated: 2025-02-18. Review status: criteria provided, single submitter. Criteria: ACMG Guidelines, 2015. Collection method: clinical testing. Allele origin: germline.
Comment: This variant is classified as likely benign based on ACMG/AMP sequence variant interpretation guidelines (Richards et al. 2015 PMID: 25741868, with internal and published modifications).

Women's Health and Genetics/Laboratory Corporation of America, LabCorp
Classification: Benign. Last evaluated: 2024-03-28. Review status: criteria provided, single submitter. Criteria: LabCorp Variant Classification Summary - May 2015. Collection method: clinical testing. Allele origin: germline.

Blueprint Genetics
Classification: Likely benign. Last evaluated: 2023-06-09. Review status: criteria provided, single submitter. Criteria: ACMG Guidelines, 2015. Collection method: clinical testing. Allele origin: germline.

Ambry Genetics
Classification: Likely benign for Familial thoracic aortic aneurysm and aortic dissection. Last evaluated: 2022-07-19. Review status: criteria provided, single submitter. Criteria: Ambry Variant Classification Scheme 2023. Collection method: clinical testing. Allele origin: germline.

Fulgent Genetics
Classification: Likely benign for Intestinal pseudoobstruction, neuronal, chronic idiopathic, X-linked; Heterotopia, periventricular, X-linked dominant; Terminal osseous dysplasia-pigmentary defects syndrome; FG syndrome 2; Oto-palato-digital syndrome, type II; Frontometaphyseal dysplasia 1; Melnick-Needles syndrome; Oto-palato-digital syndrome, type I; Cardiac valvular dysplasia, X-linked. Last evaluated: 2021-07-02. Review status: criteria provided, single submitter. Criteria: ACMG Guidelines, 2015. Collection method: clinical testing. Allele origin: unknown.

GeneDx
Classification: Likely benign. Last evaluated: 2021-01-25. Review status: criteria provided, single submitter. Criteria: GeneDx Variant Classification Process June 2021. Collection method: clinical testing. Allele origin: germline. Affected: yes.

NM_001110556.2(FLNA):c.1581C>T (p.Arg527=)

Gene: FLNA (filamin A; minus strand). Cytogenetic location: Xq28.
Variant type: single nucleotide variant.
Coding change: c.1581C>T on transcript NM_001110556.2 (MANE Select); coding-DNA position 1581, C replaced by T.
Protein change: p.Arg527=; no amino-acid change (arginine 527 retained).
Molecular consequence: synonymous variant.
Genome position (GRCh38, 1-based): chrX:154,365,246, G>A on the plus strand (C>T on the coding strand, the complement: FLNA is on the minus strand). VCF-style: chrX-154365246-G-A. GRCh37 (hg19) VCF-style: chrX-153593614-G-A.
Other names: p.Arg527=; c.1581C>T, p.Arg527= (NM_001456.4); c.1581C>T (NM_001110556.1).
Identifiers: ClinVar variation 413398 (VCV000413398.21), dbSNP rs782684339, ClinGen allele CA10561144.